The following is an entry in ClinVar:

ClinVar aggregate classification (germline): Uncertain significance (1 of 4 stars; one submission).

Submission:

GeneDx
Classification: Uncertain significance. Last evaluated: 2024-07-08. Review status: criteria provided, single submitter. Criteria: GeneDx Variant Classification Process June 2021. Collection method: clinical testing. Allele origin: germline. Affected: yes.
Comment: Not observed at significant frequency in large population cohorts (gnomAD); In silico analysis supports that this missense variant has a deleterious effect on protein structure/function; Has not been previously published as pathogenic or benign to our knowledge

NM_001170629.2(CHD8):c.3844C>T (p.Leu1282Phe)

Gene: CHD8 (chromodomain helicase DNA binding protein 8; minus strand). Cytogenetic location: 14q11.2.
Variant type: single nucleotide variant.
Coding change: c.3844C>T on transcript NM_001170629.2 (MANE Select); coding-DNA position 3844, C replaced by T.
Protein change: p.Leu1282Phe; replaces leucine 1282 with phenylalanine.
Molecular consequence: missense variant.
Genome position (GRCh38, 1-based): chr14:21,402,374, G>A on the plus strand (C>T on the coding strand, the complement: CHD8 is on the minus strand). VCF-style: chr14-21402374-G-A. GRCh37 (hg19) VCF-style: chr14-21870533-G-A.
Other names: c.3007C>T, p.Leu1003Phe (NM_020920.4); short protein forms L1282F, L1003F.
Identifiers: ClinVar variation 3572702 (VCV003572702.1).